The following is an entry in ClinVar:

ClinVar aggregate classification (germline): Uncertain significance (1 of 4 stars; one submission).

Conditions:
Inborn genetic diseases. Identifiers: MedGen C0950123, MeSH D030342.

Submission:

Ambry Genetics
Classification: Uncertain significance for Inborn genetic diseases. Last evaluated: 2025-05-02. Review status: criteria provided, single submitter. Criteria: Ambry Variant Classification Scheme 2023. Collection method: clinical testing. Allele origin: germline.
Comment: The p.G8R variant (also known as c.22G>C), located in coding exon 1 of the PIK3CA gene, results from a G to C substitution at nucleotide position 22. The glycine at codon 8 is replaced by arginine, an amino acid with dissimilar properties. This amino acid position is conserved. In addition, the in silico prediction for this alteration is inconclusive. Based on the available evidence, the clinical significance of this variant remains unclear.

NM_006218.4(PIK3CA):c.22G>C (p.Gly8Arg)

Gene: PIK3CA (phosphatidylinositol-4,5-bisphosphate 3-kinase catalytic subunit alpha; plus strand). Cytogenetic location: 3q26.32.
Variant type: single nucleotide variant.
Coding change: c.22G>C on transcript NM_006218.4 (MANE Select); coding-DNA position 22, G replaced by C.
Protein change: p.Gly8Arg; replaces glycine 8 with arginine.
Molecular consequence: missense variant.
Genome position (GRCh38, 1-based): chr3:179,198,847, G>C. VCF-style: chr3-179198847-G-C. GRCh37 (hg19) VCF-style: chr3-178916635-G-C.
Other names: short protein forms G8R.
Identifiers: ClinVar variation 3932400 (VCV003932400.1).